The following is an entry in ClinVar:

ClinVar aggregate classification (germline): Uncertain significance. Review status: criteria provided, multiple submitters, no conflicts (2 of 4 stars). 4 submissions from 4 submitters: Uncertain significance (3). 1 of the submissions does not count toward it. Last evaluated 2025-11-25.

Conditions:
KMT2A-related disorder. Also called: KMT2A-related condition.
Inborn genetic diseases. Identifiers: MedGen C0950123, MeSH D030342.

Allele frequency attached by ClinVar (database versions not stated): gnomAD exomes below 0.00001; TOPMed below 0.00001; gnomAD 0.00001.
gnomAD v4.1: 3 of 1,614,016 alleles (0.00019%); highest among the groups gnomAD compares: Admixed American, 0.0017%; no homozygotes.

Submissions (4):

Labcorp Genetics (formerly Invitae), Labcorp
Classification: Uncertain significance. Last evaluated: 2025-11-25. Review status: criteria provided, single submitter. Criteria: Invitae Variant Classification Sherloc (09022015). Collection method: clinical testing. Allele origin: germline.
Comment: This sequence change replaces serine, which is neutral and polar, with isoleucine, which is neutral and non-polar, at codon 1388 of the KMT2A protein (p.Ser1388Ile). This variant is not present in population databases (gnomAD no frequency). This variant has not been reported in the literature in individuals affected with KMT2A-related conditions. ClinVar contains an entry for this variant (Variation ID: 1037199). Invitae Evidence Modeling of protein sequence and biophysical properties (such as structural, functional, and spatial information, amino acid conservation, physicochemical variation, residue mobility, and thermodynamic stability) indicates that this missense variant is not expected to disrupt KMT2A protein function with a negative predictive value of 95%. In summary, the available evidence is currently insufficient to determine the role of this variant in disease. Therefore, it has been classified as a Variant of Uncertain Significance.

Women's Health and Genetics/Laboratory Corporation of America, LabCorp
Classification: Uncertain significance. Last evaluated: 2025-09-17. Review status: criteria provided, single submitter. Criteria: LabCorp Variant Classification Summary - May 2015. Collection method: clinical testing. Allele origin: germline.
Comment: Variant summary: KMT2A c.4163G>T (p.Ser1388Ile) results in a non-conservative amino acid change in the encoded protein sequence. Algorithms developed to predict the effect of missense changes on protein structure and function are either unavailable or do not agree on the potential impact of this missense change. The variant was absent in 251456 control chromosomes. The available data on variant occurrences in the general population are insufficient to allow any conclusion about variant significance. To our knowledge, no occurrence of c.4163G>T in individuals affected with KMT2A-related conditions and no experimental evidence demonstrating its impact on protein function have been reported. ClinVar contains an entry for this variant (Variation ID: 1037199). Based on the evidence outlined above, the variant was classified as uncertain significance.

Ambry Genetics
Classification: Uncertain significance for Inborn genetic diseases. Last evaluated: 2025-03-27. Review status: criteria provided, single submitter. Criteria: Ambry Variant Classification Scheme 2023. Collection method: clinical testing. Allele origin: germline.

PreventionGenetics, part of Exact Sciences
Classification: Uncertain significance for KMT2A-related condition. Last evaluated: 2023-12-08. Review status: no assertion criteria provided. Collection method: clinical testing. Allele origin: germline. Not counted in ClinVar's aggregate classification.
Comment: The KMT2A c.4163G>T variant is predicted to result in the amino acid substitution p.Ser1388Ile. To our knowledge, this variant has not been reported in the literature or in a large population database, indicating this variant is rare. At this time, the clinical significance of this variant is uncertain due to the absence of conclusive functional and genetic evidence.

NM_001197104.2(KMT2A):c.4163G>T (p.Ser1388Ile)

Gene: KMT2A (lysine methyltransferase 2A; plus strand). Cytogenetic location: 11q23.3.
Variant type: single nucleotide variant.
Coding change: c.4163G>T on transcript NM_001197104.2 (MANE Select); coding-DNA position 4163, G replaced by T.
Protein change: p.Ser1388Ile; replaces serine 1388 with isoleucine.
Molecular consequence: missense variant.
Genome position (GRCh38, 1-based): chr11:118,484,259, G>T. VCF-style: chr11-118484259-G-T. GRCh37 (hg19) VCF-style: chr11-118354974-G-T.
Other names: c.4163G>T (NM_001197104.1); c.4163G>T, p.Ser1388Ile (NM_005933.4); short protein forms S1388I.
Identifiers: ClinVar variation 1037199 (VCV001037199.12), dbSNP rs1002595965, ClinGen allele CA229528495.